The following is an entry in ClinVar:

ClinVar aggregate classification (germline): Uncertain significance (1 of 4 stars; one submission).

Conditions:
NUP188-related disorder. Also called: NUP188-related condition.

Submission:

PreventionGenetics, part of Exact Sciences
Classification: Uncertain significance for NUP188-related condition. Last evaluated: 2025-01-23. Review status: criteria provided, single submitter. Criteria: ACMG Guidelines, 2015. Collection method: clinical testing. Allele origin: germline.
Comment: The NUP188 c.809C>T variant is predicted to result in the amino acid substitution p.Ala270Val. To our knowledge, this variant has not been reported in the literature or in a large population database (gnomAD), indicating this variant is rare. At this time, the clinical significance of this variant is uncertain due to the absence of conclusive functional and genetic evidence.

NM_015354.3(NUP188):c.809C>T (p.Ala270Val)

Gene: NUP188 (nucleoporin 188; plus strand). Cytogenetic location: 9q34.11.
Variant type: single nucleotide variant.
Coding change: c.809C>T on transcript NM_015354.3 (MANE Select); coding-DNA position 809, C replaced by T.
Protein change: p.Ala270Val; replaces alanine 270 with valine.
Molecular consequence: missense variant.
Genome position (GRCh38, 1-based): chr9:128,969,411, C>T. VCF-style: chr9-128969411-C-T. GRCh37 (hg19) VCF-style: chr9-131731690-C-T.
Other names: short protein forms A270V.
Identifiers: ClinVar variation 4997464 (VCV004997464.1).